The following is an entry in ClinVar:

NC_000011.10:g.531072G>A

Genes: HRAS (HRas proto-oncogene, GTPase; minus strand), LRRC56 (leucine rich repeat containing 56; plus strand). Cytogenetic location: 11p15.5.
Variant type: single nucleotide variant.
Genome position: GRCh38 VCF-style: chr11-531072-G-A. GRCh37 (hg19) VCF-style: chr11-531072-G-A.
Identifiers: ClinVar variation 2498476 (VCV002498476.28), dbSNP rs554309452, ClinGen allele CA216941566.

ClinVar aggregate classification (germline): Likely benign (1 of 4 stars; one submission).

Allele frequency attached by ClinVar (database versions not stated): 1000 Genomes Project 0.00180; gnomAD 0.00484.
gnomAD v4.1: 608 of 123,460 alleles (0.49%); highest among the groups gnomAD compares: Middle Eastern, 0.97%; 1 homozygote.

Submission:

CeGaT Center for Human Genetics Tuebingen
Classification: Likely benign. Last evaluated: 2023-05-01. Review status: criteria provided, single submitter. Criteria: CeGaT Center For Human Genetics Tuebingen Variant Classification Criteria Version 2. Collection method: clinical testing. Allele origin: germline. Affected: yes. Observed: 30 variant alleles.
Comment: HRAS: BS1